The following is an entry in ClinVar:

ClinVar aggregate classification (germline): Likely benign. Review status: criteria provided, multiple submitters, no conflicts (2 of 4 stars). 2 submissions from 2 submitters: Likely benign (2). Last evaluated 2025-08-29.

Conditions:
Costello syndrome (CSTLO). Also called: HRAS-Related Costello Syndrome; FCS SYNDROME; FACIOCUTANEOSKELETAL SYNDROME. Identifiers: Orphanet 3071, MedGen C0587248, MONDO:0009026, OMIM 218040.

Allele frequency attached by ClinVar (database versions not stated): TOPMed below 0.00001; ExAC 0.00001; gnomAD exomes 0.00001.
gnomAD v4.1: 5 of 1,613,156 alleles (0.00031%); highest among the groups gnomAD compares: Admixed American, 0.0033%; no homozygotes.

Submissions (2):

Labcorp Genetics (formerly Invitae), Labcorp
Classification: Likely benign for Costello syndrome. Last evaluated: 2025-08-29. Review status: criteria provided, single submitter. Criteria: Invitae Variant Classification Sherloc (09022015). Collection method: clinical testing. Allele origin: germline.

GeneDx
Classification: Likely benign. Last evaluated: 2018-03-12. Review status: criteria provided, single submitter. Criteria: GeneDx Variant Classification (06012015). Collection method: clinical testing. Allele origin: germline. Affected: yes.
Comment: This variant is considered likely benign or benign based on one or more of the following criteria: it is a conservative change, it occurs at a poorly conserved position in the protein, it is predicted to be benign by multiple in silico algorithms, and/or has population frequency not consistent with disease.

NM_005343.4(HRAS):c.516C>T (p.Asn172=)

Genes: HRAS (HRas proto-oncogene, GTPase; minus strand), LRRC56 (leucine rich repeat containing 56; plus strand). Cytogenetic location: 11p15.5.
Variant type: single nucleotide variant.
Coding change: c.516C>T on transcript NM_005343.4 (MANE Select); coding-DNA position 516, C replaced by T.
Protein change: p.Asn172=; no amino-acid change (asparagine 172 retained).
Molecular consequence: synonymous variant. On other transcripts: 3 prime UTR variant (1).
Genome position (GRCh38, 1-based): chr11:532,690, G>A on the plus strand (C>T on the coding strand, the complement: HRAS is on the minus strand). VCF-style: chr11-532690-G-A. GRCh37 (hg19) VCF-style: chr11-532690-G-A.
Other names: c.516C>T, p.Asn172= (NM_001130442.3); c.279C>T, p.Asn93= (NM_001318054.2); c.*85C>T (NM_176795.5).
Identifiers: ClinVar variation 415885 (VCV000415885.14), dbSNP rs765180494, ClinGen allele CA5779215.